The following is an entry in ClinVar:

ClinVar aggregate classification (germline): Conflicting classifications of pathogenicity. Review status: criteria provided, conflicting classifications (1 of 4 stars). 7 submissions from 6 submitters: Uncertain significance (2); Benign (2); Likely benign (3). Last evaluated 2026-01-22.

Conditions:
WFS1-Related Spectrum Disorders.
Wolfram syndrome 1 (WFS1). Identifiers: Orphanet 3463, MedGen C4551693, MONDO:0009101, OMIM 222300.
Autosomal dominant nonsyndromic hearing loss 6 (LFSNHL). Also called: DEAFNESS, AUTOSOMAL DOMINANT 6; DEAFNESS, AUTOSOMAL DOMINANT 14; DEAFNESS, AUTOSOMAL DOMINANT 38; Autosomal dominant nonsyndromic deafness 6. Identifiers: Orphanet 90635, MedGen C1833021, MONDO:0010963, OMIM 600965.

Allele frequency attached by ClinVar (database versions not stated): gnomAD 0.00019 and 0.00027; TOPMed 0.00035; 1000 Genomes Project 0.00140; 1000 Genomes Project 30x 0.00156.
gnomAD v4.1: 421 of 1,614,094 alleles (0.026%); highest among the groups gnomAD compares: East Asian, 0.87%; 1 homozygote.

Submissions (7):

Labcorp Genetics (formerly Invitae), Labcorp
Classification: Benign. Last evaluated: 2026-01-22. Review status: criteria provided, single submitter. Criteria: Invitae Variant Classification Sherloc (09022015). Collection method: clinical testing. Allele origin: germline.

Blueprint Genetics
Classification: Likely benign. Last evaluated: 2024-11-26. Review status: criteria provided, single submitter. Criteria: ACMG Guidelines, 2015. Collection method: clinical testing. Allele origin: germline.

Mendelics
Classification: Uncertain significance for Wolfram syndrome 1. Last evaluated: 2019-05-28. Review status: criteria provided, single submitter. Criteria: Mendelics Assertion Criteria 2017. Collection method: clinical testing. Allele origin: unknown.

Laboratory for Molecular Medicine, Mass General Brigham Personalized Medicine
Classification: Benign. Last evaluated: 2018-09-06. Review status: criteria provided, single submitter. Criteria: LMM Criteria. Collection method: clinical testing. Allele origin: germline. Observed: 1 variant allele.
Comment: The p.Val412Ala variant in WFS1 has been reported in several studies in associat ion with hearing loss, diabetes, and goiter (Fukouka 2007, Yan 2013, Awata 2013, Choi 2013, Li 2016) but has also been identified in 0.92% (173/18864) of East A sian chromosomes, including 1 homozygote, by the Genome Aggregation Database. Therefore, this variant is classified as benign for hearing loss. ACMG/AMP criteria applied: PP3, BA1.

Illumina Laboratory Services, Illumina
Classification: Likely benign for Autosomal dominant nonsyndromic hearing loss 6. Last evaluated: 2017-04-28. Review status: criteria provided, single submitter. Criteria: ICSL Variant Classification Criteria 13 December 2019. Collection method: clinical testing. Allele origin: germline.
Comment: This variant was observed as part of a predisposition screen in an ostensibly healthy population. A literature search was performed for the gene, cDNA change, and amino acid change (where applicable). Publications were found based on this search. The evidence from the literature, in combination with allele frequency data from public databases where available, was sufficient to determine this variant is unlikely to cause disease. Therefore, this variant is classified as likely benign.

Illumina Laboratory Services, Illumina
Classification: Likely benign for WFS1-Related Spectrum Disorders. Last evaluated: 2017-04-28. Review status: criteria provided, single submitter. Criteria: ICSL Variant Classification Criteria 13 December 2019. Collection method: clinical testing. Allele origin: germline.
Comment: the same text as in the submission from Illumina Laboratory Services, Illumina above.

Soonchunhyang University Bucheon Hospital, Soonchunhyang University Medical Center
Classification: Uncertain significance for Autosomal dominant nonsyndromic hearing loss 6. Last evaluated: 2016-03-18. Review status: criteria provided, single submitter. Criteria: ACMG Guidelines, 2015. Collection method: reference population. Allele origin: germline. Observed: 3 variant alleles.

Literature cited by the submitters: PubMed 23990876 (cited by Laboratory for Molecular Medicine, Mass General Brigham Personalized Medicine and Soonchunhyang University Bucheon Hospital, Soonchunhyang University Medical Center); PubMed 27185633 (cited by Laboratory for Molecular Medicine, Mass General Brigham Personalized Medicine); PubMed 23535966 (cited by Laboratory for Molecular Medicine, Mass General Brigham Personalized Medicine and Illumina Laboratory Services, Illumina); PubMed 17492394 (cited by Laboratory for Molecular Medicine, Mass General Brigham Personalized Medicine and Illumina Laboratory Services, Illumina); PubMed 23856252 (cited by Laboratory for Molecular Medicine, Mass General Brigham Personalized Medicine and Illumina Laboratory Services, Illumina); PubMed 17517145 (cited by Illumina Laboratory Services, Illumina); PubMed 15234338 (cited by Illumina Laboratory Services, Illumina).

NM_006005.3(WFS1):c.1235T>C (p.Val412Ala)

Gene: WFS1 (wolframin ER transmembrane glycoprotein; plus strand). Cytogenetic location: 4p16.1.
Variant type: single nucleotide variant.
Coding change: c.1235T>C on transcript NM_006005.3 (MANE Select); coding-DNA position 1235, T replaced by C.
Protein change: p.Val412Ala; replaces valine 412 with alanine.
Molecular consequence: missense variant.
Genome position (GRCh38, 1-based): chr4:6,301,030, T>C. VCF-style: chr4-6301030-T-C. GRCh37 (hg19) VCF-style: chr4-6302757-T-C.
Other names: c.1235T>C, p.Val412Ala (NM_001145853.1); short protein forms V412A.
Identifiers: ClinVar variation 215387 (VCV000215387.21), dbSNP rs144951440, ClinGen allele CA322524.